The following is an entry in ClinVar:

ClinVar aggregate classification (germline): Uncertain significance (1 of 4 stars; one submission).

Submission:

Labcorp Genetics (formerly Invitae), Labcorp
Classification: Uncertain significance. Last evaluated: 2023-01-25. Review status: criteria provided, single submitter. Criteria: Invitae Variant Classification Sherloc (09022015). Collection method: clinical testing. Allele origin: germline.
Comment: In summary, the available evidence is currently insufficient to determine the role of this variant in disease. Therefore, it has been classified as a Variant of Uncertain Significance. Advanced modeling of protein sequence and biophysical properties (such as structural, functional, and spatial information, amino acid conservation, physicochemical variation, residue mobility, and thermodynamic stability) performed at Invitae indicates that this missense variant is not expected to disrupt HOXB13 protein function. This variant has not been reported in the literature in individuals affected with HOXB13-related conditions. This variant is not present in population databases (gnomAD no frequency). This sequence change replaces tyrosine, which is neutral and polar, with serine, which is neutral and polar, at codon 80 of the HOXB13 protein (p.Tyr80Ser).

NM_006361.6(HOXB13):c.239A>C (p.Tyr80Ser)

Gene: HOXB13 (homeobox B13; minus strand). Cytogenetic location: 17q21.32.
Variant type: single nucleotide variant.
Coding change: c.239A>C on transcript NM_006361.6 (MANE Select); coding-DNA position 239, A replaced by C.
Protein change: p.Tyr80Ser; replaces tyrosine 80 with serine.
Molecular consequence: missense variant.
Genome position (GRCh38, 1-based): chr17:48,728,355, T>G on the plus strand (A>C on the coding strand, the complement: HOXB13 is on the minus strand). VCF-style: chr17-48728355-T-G. GRCh37 (hg19) VCF-style: chr17-46805717-T-G.
Other names: short protein forms Y80S.
Identifiers: ClinVar variation 2119873 (VCV002119873.4), dbSNP rs772962401, ClinGen allele CA400107864.